The following is an entry in ClinVar:

ClinVar aggregate classification (germline): Uncertain significance (1 of 4 stars; one submission).

Conditions:
Inborn genetic diseases. Identifiers: MedGen C0950123, MeSH D030342.

Submission:

Ambry Genetics
Classification: Uncertain significance for Inborn genetic diseases. Last evaluated: 2024-12-12. Review status: criteria provided, single submitter. Criteria: Ambry Variant Classification Scheme 2023. Collection method: clinical testing. Allele origin: germline.
Comment: The p.T1284S variant (also known as c.3851C>G), located in coding exon 34 of the RTEL1 gene, results from a C to G substitution at nucleotide position 3851. The threonine at codon 1284 is replaced by serine, an amino acid with similar properties. This amino acid position is conserved. In addition, this alteration is predicted to be tolerated by in silico analysis. Based on the available evidence, the clinical significance of this variant remains unclear.

NM_001283009.2(RTEL1):c.3851C>G (p.Thr1284Ser)

Genes: RTEL1 (regulator of telomere elongation helicase 1; plus strand), RTEL1-TNFRSF6B (RTEL1-TNFRSF6B readthrough (NMD candidate); plus strand). Cytogenetic location: 20q13.33.
Variant type: single nucleotide variant.
Coding change: c.3851C>G on transcript NM_001283009.2 (MANE Select); coding-DNA position 3851, C replaced by G.
Protein change: p.Thr1284Ser; replaces threonine 1284 with serine.
Molecular consequence: missense variant. On other transcripts: non-coding transcript variant (1), 3 prime UTR variant (3).
Genome position (GRCh38, 1-based): chr20:63,695,806, C>G. VCF-style: chr20-63695806-C-G. GRCh37 (hg19) VCF-style: chr20-62327159-C-G.
Other names: c.*21C>G (NM_001283010.1, NM_016434.4, NM_032957.5); short protein forms T1284S.
Identifiers: ClinVar variation 3790956 (VCV003790956.1).